The following is an entry in ClinVar:

NM_001105244.2(PTPRM):c.3462+9G>A

Gene: PTPRM (protein tyrosine phosphatase receptor type M; plus strand). Cytogenetic location: 18p11.23.
Variant type: single nucleotide variant.
Coding change: c.3462+9G>A on transcript NM_001105244.2 (MANE Select); 9 bases into the intron after coding-DNA position 3462, G replaced by A.
Molecular consequence: intron variant.
Genome position (GRCh38, 1-based): chr18:8,376,606, G>A. VCF-style: chr18-8376606-G-A. GRCh37 (hg19) VCF-style: chr18-8376604-G-A.
Other names: c.3423+9G>A (NM_002845.4); c.2949+9G>A (NM_001378147.1); c.2898+9G>A (NM_001378145.1); c.2859+9G>A (NM_001378144.1); c.2874+9G>A (NM_001378146.1); c.2823+9G>A (NM_001378143.1); c.2784+9G>A (NM_001378142.1).
Identifiers: ClinVar variation 3041562 (VCV003041562.2), dbSNP rs147224252, ClinGen allele CA8884747.

ClinVar aggregate classification (germline): Likely benign (0 of 4 stars; one submission).

Conditions:
PTPRM-related disorder. Also called: PTPRM-related condition.

Allele frequency attached by ClinVar (database versions not stated): 1000 Genomes Project 0.00040; 1000 Genomes Project 30x 0.00047; gnomAD 0.00143; TOPMed 0.00152; ESP Exome Variant Server 0.00169; ExAC 0.00183.
gnomAD v4.1: 3,478 of 1,608,424 alleles (0.22%); highest among the groups gnomAD compares: Non-Finnish European, 0.27%; 7 homozygotes.

Submission:

PreventionGenetics, part of Exact Sciences
Classification: Likely benign for PTPRM-related condition. Last evaluated: 2019-04-11. Review status: no assertion criteria provided. Collection method: clinical testing. Allele origin: germline.
Comment: This variant is classified as likely benign based on ACMG/AMP sequence variant interpretation guidelines (Richards et al. 2015 PMID: 25741868, with internal and published modifications).